The following is an entry in ClinVar:

ClinVar aggregate classification (germline): Likely pathogenic. Review status: criteria provided, multiple submitters, no conflicts (2 of 4 stars). 2 submissions from 2 submitters: Likely pathogenic (2). Last evaluated 2023-06-12.

Conditions:
Inborn genetic diseases. Identifiers: MedGen C0950123, MeSH D030342.
Intellectual developmental disorder with dysmorphic facies and behavioral abnormalities. Identifiers: MedGen C4748135, MONDO:0060760, OMIM 618089.

Submissions (2):

Institute of Medical Genetics and Applied Genomics, University Hospital Tübingen
Classification: Likely pathogenic for Intellectual developmental disorder with dysmorphic facies and behavioral abnormalities. Last evaluated: 2023-06-12. Review status: criteria provided, single submitter. Criteria: ACMG Guidelines, 2015. Collection method: clinical testing. Allele origin: germline. Inheritance: Autosomal dominant inheritance. Affected: yes.

Ambry Genetics
Classification: Likely pathogenic for Inborn genetic diseases. Last evaluated: 2021-06-16. Review status: criteria provided, single submitter. Criteria: Ambry Variant Classification Scheme 2023. Collection method: clinical testing. Allele origin: germline.
Comment: The c.2720_2721delAT (p.H907Rfs*7) alteration, located in exon 23 (coding exon 23) of the FBXO11 gene, consists of a deletion of 2 nucleotides from position 2720 to 2721, causing a translational frameshift with a predicted alternate stop codon after 7 amino acids. This alteration occurs at the 3' terminus of the FBXO11 gene, is not expected to trigger nonsense-mediated mRNA decay, and only impacts the last 2% of the protein. However, premature stop codons are typically deleterious in nature and the impacted region is critical for protein function (Ambry internal data). Based on data from the Genome Aggregation Database (gnomAD), the FBXO11 c.2720_2721delAT alteration was not observed, with coverage at this position. Based on the available evidence, this alteration is classified as likely pathogenic.

NM_001190274.2(FBXO11):c.2720_2721del (p.His907fs)

Genes: FBXO11 (F-box protein 11; minus strand), MSH6 (mutS homolog 6; plus strand). Cytogenetic location: 2p16.3.
Variant type: Deletion.
Coding change: c.2720_2721del on transcript NM_001190274.2 (MANE Select); coding-DNA positions 2720 to 2721, 2 bases deleted (AT; older notation c.2720_2721delAT).
Protein change: p.His907fs; shifts the reading frame from histidine 907.
Molecular consequence: frameshift variant.
Genome position (GRCh38, 1-based): chr2:47,808,181-47,808,182, AT deleted on the plus strand (AT on the coding strand, the reverse complement: FBXO11 is on the minus strand). VCF-style (leftmost placement, unchanged base first): chr2-47808180-CAT-C. GRCh37 (hg19) VCF-style: chr2-48035319-CAT-C.
Other names: c.2468_2469del, p.His823fs (NM_001374325.1, NM_025133.4); short protein forms H907fs, H823fs.
Identifiers: ClinVar variation 2231438 (VCV002231438.3), dbSNP rs2530936889, ClinGen allele CA2580066828.
Genomic context (GRCh38, chr2:47,808,180, plus strand): 5'-AGTTGTGCTGCAATGTATTAGATTCTATAGGTGGAGCAGAGTCATATAGTGTATCTGTAT[CAT>C]GTGTAGGCTCACCAGCTAATGTACAAGGATTAGACAGTGTTCCAGCACCACAGTCACAGA-3'